The following is an entry in ClinVar:

ClinVar aggregate classification (germline): Benign/Likely benign. Review status: criteria provided, multiple submitters, no conflicts (2 of 4 stars). 6 submissions from 6 submitters: Benign (4); Likely benign (2). Last evaluated 2026-01-28.

Conditions:
Nephrogenic syndrome of inappropriate antidiuresis (NSIAD). Identifiers: Orphanet 93606, MedGen C1845202, MONDO:0010356, OMIM 300539.
Diabetes insipidus, nephrogenic, X-linked. Also called: Nephrogenic Diabetes Insipidus, Type I. Identifiers: Orphanet 223, MedGen C1563705, MONDO:0010581, OMIM 304800.

Allele frequency attached by ClinVar (database versions not stated): gnomAD exomes 0.00046 and 0.00116; ExAC 0.00136; gnomAD 0.00418 and 0.00449; TOPMed 0.00460; 1000 Genomes Project 30x 0.00479; ESP Exome Variant Server 0.00511; 1000 Genomes Project 0.00530.
gnomAD v4.1: 985 of 1,210,577 alleles (0.081%); highest among the groups gnomAD compares: African/African-American, 1.5%; 5 homozygotes.

Submissions (6):

Labcorp Genetics (formerly Invitae), Labcorp
Classification: Benign. Last evaluated: 2026-01-28. Review status: criteria provided, single submitter. Criteria: Invitae Variant Classification Sherloc (09022015). Collection method: clinical testing. Allele origin: germline.

Blueprint Genetics
Classification: Likely benign. Last evaluated: 2024-09-23. Review status: criteria provided, single submitter. Criteria: ACMG Guidelines, 2015. Collection method: clinical testing. Allele origin: germline.

Fulgent Genetics
Classification: Likely benign for Nephrogenic syndrome of inappropriate antidiuresis; Diabetes insipidus, nephrogenic, X-linked. Last evaluated: 2021-07-29. Review status: criteria provided, single submitter. Criteria: ACMG Guidelines, 2015. Collection method: clinical testing. Allele origin: unknown.

Illumina Laboratory Services, Illumina
Classification: Benign for Diabetes insipidus, nephrogenic, X-linked. Last evaluated: 2018-01-13. Review status: criteria provided, single submitter. Criteria: ICSL Variant Classification Criteria 13 December 2019. Collection method: clinical testing. Allele origin: germline.
Comment: This variant was observed in the ICSL laboratory as part of a predisposition screen in an ostensibly healthy population. It had not been previously curated by ICSL or reported in the Human Gene Mutation Database (HGMD: prior to June 1st, 2018), and was therefore a candidate for classification through an automated scoring system. Utilizing variant allele frequency, disease prevalence and penetrance estimates, and inheritance mode, an automated score was calculated to assess if this variant is too frequent to cause the disease. Based on the score and internal cut-off values, a variant classified as benign is not then subjected to further curation. The score for this variant resulted in a classification of benign for this disease.

Breakthrough Genomics
Classification: Benign. Review status: criteria provided, single submitter. Criteria: ACMG Guidelines, 2015. Collection method: not provided. Allele origin: germline. Inheritance: X-linked inheritance. Affected: yes.

PreventionGenetics, part of Exact Sciences
Classification: Benign. Review status: criteria provided, single submitter. Criteria: ACMG Guidelines, 2015. Collection method: clinical testing. Allele origin: germline.

NM_000054.7(AVPR2):c.12G>A (p.Ala4=)

Gene: AVPR2 (arginine vasopressin receptor 2; plus strand). Cytogenetic location: Xq28.
Variant type: single nucleotide variant.
Coding change: c.12G>A on transcript NM_000054.7 (MANE Select); coding-DNA position 12, G replaced by A.
Protein change: p.Ala4=; no amino-acid change (alanine 4 retained).
Molecular consequence: synonymous variant. On other transcripts: non-coding transcript variant (1).
Genome position (GRCh38, 1-based): chrX:153,905,157, G>A. VCF-style: chrX-153905157-G-A. GRCh37 (hg19) VCF-style: chrX-153170611-G-A.
Other names: c.12G>A, p.Ala4= (NM_001146151.3).
Identifiers: ClinVar variation 254771 (VCV000254771.17), dbSNP rs61748993, ClinGen allele CA10554908.
Genomic context (GRCh38, chrX:153,905,157, plus strand): 5'-AGTCCGCACATCACCTCCAGGCCCTCAGAACACCTGCCCCAGCCCCACCATGCTCATGGC[G>A]TCCACCACTTCCGGTAAGGCTTGCCCCTCCATGAGTCCGGTGGGCAGAGTGGGTTTGACG-3'
Protein context (NP_000045.1, residues 1-14): MLM[Ala4=]STTSAVPGHP